The following is an entry in ClinVar:

ClinVar aggregate classification (germline): Uncertain significance. Review status: criteria provided, multiple submitters, no conflicts (2 of 4 stars). 2 submissions from 2 submitters: Uncertain significance (2). Last evaluated 2025-04-29.

Conditions:
Hereditary cancer-predisposing syndrome. Also called: Tumor predisposition; Hereditary neoplastic syndrome; Hereditary Cancer Syndrome; Neoplastic Syndromes, Hereditary. Identifiers: Orphanet 140162, MedGen C0027672, MeSH D009386, MONDO:0015356.
Hereditary nonpolyposis colorectal neoplasms. Identifiers: MedGen C0009405, MeSH D003123.

Submissions (2):

Ambry Genetics
Classification: Uncertain significance for Hereditary cancer-predisposing syndrome. Last evaluated: 2025-04-29. Review status: criteria provided, single submitter. Criteria: Ambry Variant Classification Scheme 2023. Collection method: clinical testing. Allele origin: germline.
Comment: The p.P540R variant (also known as c.1619C>G), located in coding exon 11 of the PMS2 gene, results from a C to G substitution at nucleotide position 1619. The proline at codon 540 is replaced by arginine, an amino acid with dissimilar properties. This amino acid position is conserved. In addition, this alteration is predicted to be tolerated by in silico analysis. Based on the available evidence, the clinical significance of this variant remains unclear.

Labcorp Genetics (formerly Invitae), Labcorp
Classification: Uncertain significance for Hereditary nonpolyposis colorectal neoplasms. Last evaluated: 2022-10-27. Review status: criteria provided, single submitter. Criteria: Invitae Variant Classification Sherloc (09022015). Collection method: clinical testing. Allele origin: germline.
Comment: This sequence change replaces proline, which is neutral and non-polar, with arginine, which is basic and polar, at codon 540 of the PMS2 protein (p.Pro540Arg). This variant is not present in population databases (gnomAD no frequency). This variant has not been reported in the literature in individuals affected with PMS2-related conditions. ClinVar contains an entry for this variant (Variation ID: 578000). Advanced modeling of protein sequence and biophysical properties (such as structural, functional, and spatial information, amino acid conservation, physicochemical variation, residue mobility, and thermodynamic stability) performed at Invitae indicates that this missense variant is not expected to disrupt PMS2 protein function. In summary, the available evidence is currently insufficient to determine the role of this variant in disease. Therefore, it has been classified as a Variant of Uncertain Significance.

NM_000535.7(PMS2):c.1619C>G (p.Pro540Arg)

Gene: PMS2 (PMS1 homolog 2, mismatch repair system component; minus strand). Cytogenetic location: 7p22.1.
Variant type: single nucleotide variant.
Coding change: c.1619C>G on transcript NM_000535.7 (MANE Select); coding-DNA position 1619, C replaced by G.
Protein change: p.Pro540Arg; replaces proline 540 with arginine.
Molecular consequence: missense variant. On other transcripts: non-coding transcript variant (1).
Genome position (GRCh38, 1-based): chr7:5,987,146, G>C on the plus strand (C>G on the coding strand, the complement: PMS2 is on the minus strand). VCF-style: chr7-5987146-G-C. GRCh37 (hg19) VCF-style: chr7-6026777-G-C.
Other names: c.1301C>G, p.Pro434Arg (NM_001322008.2, NM_001322007.2); c.1214C>G, p.Pro405Arg (NM_001322009.2, NM_001322003.2, NM_001322004.2 and 1 more transcripts); c.686C>G, p.Pro229Arg (NM_001322012.2, NM_001322011.2); c.1046C>G, p.Pro349Arg (NM_001322013.2); c.1058C>G, p.Pro353Arg (NM_001322010.2); c.1619C>G, p.Pro540Arg (NM_001322014.2); c.1310C>G, p.Pro437Arg (NM_001322015.2); c.1463C>G, p.Pro488Arg (NM_001322006.2); short protein forms P540R, P229R, P434R, P437R, P488R, P353R, P405R, P349R.
Identifiers: ClinVar variation 578000 (VCV000578000.12), dbSNP rs1562629708, ClinGen allele CA366741467.